The following is an entry in ClinVar:

ClinVar aggregate classification (germline): Uncertain significance (1 of 4 stars; one submission).

Conditions:
Hereditary breast ovarian cancer syndrome. Also called: Hereditary breast and/or ovarian cancer syndrome; Hereditary breast and ovarian cancer syndrome (HBOC); Breast and ovarian cancer; Hereditary breast and ovarian cancer; Hereditary breast and ovarian cancer syndrome; BRCA1- and BRCA2-Associated Hereditary Breast and Ovarian Cancer. Identifiers: Orphanet 145, MedGen C0677776, MeSH D061325, MONDO:0003582. Disease mechanism: loss of function.

Submission:

Labcorp Genetics (formerly Invitae), Labcorp
Classification: Uncertain significance for Hereditary breast ovarian cancer syndrome. Last evaluated: 2020-11-25. Review status: criteria provided, single submitter. Criteria: Invitae Variant Classification Sherloc (09022015). Collection method: clinical testing. Allele origin: germline.
Comment: Advanced modeling of protein sequence and biophysical properties (such as structural, functional, and spatial information, amino acid conservation, physicochemical variation, residue mobility, and thermodynamic stability) performed at Invitae indicates that this missense variant is not expected to disrupt BRCA2 protein function. This variant has not been reported in the literature in individuals with BRCA2-related conditions. This variant is not present in population databases (ExAC no frequency). This sequence change replaces serine with arginine at codon 3375 of the BRCA2 protein (p.Ser3375Arg). The serine residue is moderately conserved and there is a moderate physicochemical difference between serine and arginine. In summary, the available evidence is currently insufficient to determine the role of this variant in disease. Therefore, it has been classified as a Variant of Uncertain Significance.

NM_000059.4(BRCA2):c.10123A>C (p.Ser3375Arg)

Gene: BRCA2 (BRCA2 DNA repair associated; plus strand). Cytogenetic location: 13q13.1.
Variant type: single nucleotide variant.
Coding change: c.10123A>C on transcript NM_000059.4 (MANE Select); coding-DNA position 10123, A replaced by C.
Protein change: p.Ser3375Arg; replaces serine 3375 with arginine.
Molecular consequence: missense variant.
Genome position (GRCh38, 1-based): chr13:32,398,636, A>C. VCF-style: chr13-32398636-A-C. GRCh37 (hg19) VCF-style: chr13-32972773-A-C.
Other names: short protein forms S3375R.
Identifiers: ClinVar variation 1488553 (VCV001488553.8), dbSNP rs1060502481, ClinGen allele CA387768069.